The following is an entry in ClinVar:

ClinVar aggregate classification (germline): Uncertain significance (1 of 4 stars; one submission).

Conditions:
Brugada syndrome. Also called: Sudden unexpected nocturnal death syndrome; Sudden unexplained nocturnal death syndrome; Sudden Unexplained Death Syndrome; Sudden Unexplained Nocturnal Death Syndrome (SUNDS). Identifiers: Orphanet 130, MedGen C1142166, MONDO:0015263.

Allele frequency attached by ClinVar (database versions not stated): gnomAD exomes below 0.00001; ExAC 0.00001; gnomAD 0.00001; TOPMed 0.00002; ESP Exome Variant Server 0.00008.
gnomAD v4.1: 2 of 1,613,836 alleles (0.00012%); highest among the groups gnomAD compares: African/African-American, 0.0027%; no homozygotes.

Submission:

Labcorp Genetics (formerly Invitae), Labcorp
Classification: Uncertain significance for Brugada syndrome. Last evaluated: 2022-03-03. Review status: criteria provided, single submitter. Criteria: Invitae Variant Classification Sherloc (09022015). Collection method: clinical testing. Allele origin: germline.
Comment: In summary, the available evidence is currently insufficient to determine the role of this variant in disease. Therefore, it has been classified as a Variant of Uncertain Significance. Algorithms developed to predict the effect of missense changes on protein structure and function (SIFT, PolyPhen-2, Align-GVGD) all suggest that this variant is likely to be tolerated. ClinVar contains an entry for this variant (Variation ID: 956881). This variant has not been reported in the literature in individuals affected with SLMAP-related conditions. This variant is not present in population databases (gnomAD no frequency). This sequence change replaces serine, which is neutral and polar, with proline, which is neutral and non-polar, at codon 418 of the SLMAP protein (p.Ser418Pro).

NM_001377540.1(SLMAP):c.1354T>C (p.Ser452Pro)

Gene: SLMAP (sarcolemma associated protein; plus strand). Cytogenetic location: 3p14.3.
Variant type: single nucleotide variant.
Coding change: c.1354T>C on transcript NM_001377540.1 (MANE Select); coding-DNA position 1354, T replaced by C.
Protein change: p.Ser452Pro; replaces serine 452 with proline.
Molecular consequence: missense variant. On other transcripts: 5 prime UTR variant (7), non-coding transcript variant (1).
Genome position (GRCh38, 1-based): chr3:57,890,094, T>C. VCF-style: chr3-57890094-T-C. GRCh37 (hg19) VCF-style: chr3-57875821-T-C.
Other names: c.1303T>C, p.Ser435Pro (NM_001304420.3, NM_001377541.1, NM_001377542.1 and 2 more transcripts); c.1189T>C, p.Ser397Pro (NM_001304421.2, NM_001377557.1, NM_001377559.1 and 1 more transcripts); c.-96T>C (NM_001304422.3, NM_001304423.3, NM_001311178.2 and 4 more transcripts); c.1354T>C, p.Ser452Pro (NM_001377538.1, NM_001377539.1, NM_001377555.1); c.1291T>C, p.Ser431Pro (NM_001377545.1, NM_001377922.1); c.1252T>C, p.Ser418Pro (NM_001377549.1, NM_001377923.1, NM_007159.5); c.1240T>C, p.Ser414Pro (NM_001377551.1, NM_001377552.1, NM_001377924.1); short protein forms S431P, S435P, S397P, S414P, S418P, S452P.
Identifiers: ClinVar variation 956881 (VCV000956881.6), dbSNP rs373548009, ClinGen allele CA2467108.